The following is an entry in ClinVar:

ClinVar aggregate classification (germline): Uncertain significance. Review status: criteria provided, multiple submitters, no conflicts (2 of 4 stars). 3 submissions from 3 submitters: Uncertain significance (3). Last evaluated 2024-06-07.

Conditions:
Myopathy, proximal, and ophthalmoplegia (CMYO6). Also called: MYOPATHY WITH CONGENITAL JOINT CONTRACTURES, OPHTHALMOPLEGIA, AND RIMMED VACUOLES; INCLUSION BODY MYOPATHY 3, AUTOSOMAL DOMINANT; CONGENITAL MYOPATHY 6 WITH OPHTHALMOPLEGIA. Identifiers: Orphanet 363677, Orphanet 79091, MedGen C1854106, MONDO:0011577, OMIM 605637.
Inborn genetic diseases. Identifiers: MedGen C0950123, MeSH D030342.

Allele frequency attached by ClinVar (database versions not stated): gnomAD exomes below 0.00001; gnomAD 0.00001.
gnomAD v4.1: 23 of 1,614,010 alleles (0.0014%); highest among the groups gnomAD compares: East Asian, 0.0022%; no homozygotes.

Submissions (3):

Ambry Genetics
Classification: Uncertain significance for Inborn genetic diseases. Last evaluated: 2024-06-07. Review status: criteria provided, single submitter. Criteria: Ambry Variant Classification Scheme 2023. Collection method: clinical testing. Allele origin: germline.

GeneDx
Classification: Uncertain significance. Last evaluated: 2022-12-23. Review status: criteria provided, single submitter. Criteria: GeneDx Variant Classification Process June 2021. Collection method: clinical testing. Allele origin: germline. Affected: yes.
Comment: Has not been previously published as pathogenic or benign to our knowledge; Not observed at significant frequency in large population cohorts (gnomAD); In silico analysis supports that this missense variant does not alter protein structure/function

Labcorp Genetics (formerly Invitae), Labcorp
Classification: Uncertain significance for Myopathy, proximal, and ophthalmoplegia. Last evaluated: 2021-08-15. Review status: criteria provided, single submitter. Criteria: Invitae Variant Classification Sherloc (09022015). Collection method: clinical testing. Allele origin: germline.
Comment: This sequence change replaces glutamic acid with lysine at codon 1913 of the MYH2 protein (p.Glu1913Lys). The glutamic acid residue is highly conserved and there is a small physicochemical difference between glutamic acid and lysine. This variant is not present in population databases (ExAC no frequency). This variant has not been reported in the literature in individuals affected with MYH2-related conditions. Algorithms developed to predict the effect of missense changes on protein structure and function are either unavailable or do not agree on the potential impact of this missense change (SIFT: "Deleterious"; PolyPhen-2: "Benign"; Align-GVGD: "Class C55"). In summary, the available evidence is currently insufficient to determine the role of this variant in disease. Therefore, it has been classified as a Variant of Uncertain Significance.

NM_017534.6(MYH2):c.5737G>A (p.Glu1913Lys)

Genes: MYH2 (myosin heavy chain 2; minus strand), MYHAS (myosin heavy chain gene cluster antisense RNA; plus strand). Cytogenetic location: 17p13.1.
Variant type: single nucleotide variant.
Coding change: c.5737G>A on transcript NM_017534.6 (MANE Select); coding-DNA position 5737, G replaced by A.
Protein change: p.Glu1913Lys; replaces glutamic acid 1913 with lysine.
Molecular consequence: missense variant.
Genome position (GRCh38, 1-based): chr17:10,521,369, C>T on the plus strand (G>A on the coding strand, the complement: MYH2 is on the minus strand). VCF-style: chr17-10521369-C-T. GRCh37 (hg19) VCF-style: chr17-10424686-C-T.
Other names: c.5737G>A (NM_017534.5); c.5737G>A, p.Glu1913Lys (NM_001100112.2); short protein forms E1913K.
Identifiers: ClinVar variation 1419040 (VCV001419040.8), dbSNP rs1350545511, ClinGen allele CA398110319.